The following is an entry in ClinVar:

ClinVar aggregate classification (germline): Uncertain significance (0 of 4 stars; one submission).

Conditions:
ITPR3-related disorder. Also called: ITPR3-related condition.

Submission:

PreventionGenetics, part of Exact Sciences
Classification: Uncertain significance for ITPR3-related condition. Last evaluated: 2024-06-05. Review status: no assertion criteria provided. Collection method: clinical testing. Allele origin: germline.
Comment: The ITPR3 c.283-9T>A variant is predicted to interfere with splicing. To our knowledge, this variant has not been reported in the literature or in a large population database, indicating this variant is rare. At this time, the clinical significance of this variant is uncertain due to the absence of conclusive functional and genetic evidence.

NM_002224.4(ITPR3):c.283-9T>A

Gene: ITPR3 (inositol 1,4,5-trisphosphate receptor type 3; plus strand). Cytogenetic location: 6p21.31.
Variant type: single nucleotide variant.
Coding change: c.283-9T>A on transcript NM_002224.4 (MANE Select); 9 bases into the intron before coding-DNA position 283, T replaced by A.
Molecular consequence: intron variant.
Genome position (GRCh38, 1-based): chr6:33,657,923, T>A. VCF-style: chr6-33657923-T-A. GRCh37 (hg19) VCF-style: chr6-33625700-T-A.
Identifiers: ClinVar variation 3356063 (VCV003356063.1).